The following is an entry in ClinVar:

ClinVar aggregate classification (germline): Benign/Likely benign. Review status: criteria provided, multiple submitters, no conflicts (2 of 4 stars). 2 submissions from 2 submitters: Benign (1); Likely benign (1). Last evaluated 2026-02-01.

Conditions:
Encephalopathy, acute, infection-induced (herpes-specific), susceptibility to, 6. Also called: Herpes simplex encephalitis, susceptibility to, 4. Identifiers: Orphanet 1930, MedGen C3553869, MONDO:0013921, OMIM 614850.

Allele frequency attached by ClinVar (database versions not stated): 1000 Genomes Project 30x 0.00047; 1000 Genomes Project 0.00040.
gnomAD v4.1: 200 of 1,610,242 alleles (0.012%); highest among the groups gnomAD compares: South Asian, 0.21%; 1 homozygote.

Submissions (2):

CeGaT Center for Human Genetics Tuebingen
Classification: Likely benign. Last evaluated: 2026-02-01. Review status: criteria provided, single submitter. Criteria: CeGaT Center For Human Genetics Tuebingen Variant Classification Criteria Version 2. Collection method: clinical testing. Allele origin: germline. Affected: yes. Observed: 1 variant allele.
Comment: TICAM1: BP4, BP7

Labcorp Genetics (formerly Invitae), Labcorp
Classification: Benign for Encephalopathy, acute, infection-induced (herpes-specific), susceptibility to, 6. Last evaluated: 2024-04-22. Review status: criteria provided, single submitter. Criteria: Invitae Variant Classification Sherloc (09022015). Collection method: clinical testing. Allele origin: germline.

NM_182919.4(TICAM1):c.204G>T (p.Ala68=)

Gene: TICAM1 (TIR domain containing adaptor molecule 1; minus strand). Cytogenetic location: 19p13.3.
Variant type: single nucleotide variant.
Coding change: c.204G>T on transcript NM_182919.4 (MANE Select); coding-DNA position 204, G replaced by T.
Protein change: p.Ala68=; no amino-acid change (alanine 68 retained).
Molecular consequence: synonymous variant. On other transcripts: intron variant (1).
Genome position (GRCh38, 1-based): chr19:4,818,174, C>A on the plus strand (G>T on the coding strand, the complement: TICAM1 is on the minus strand). VCF-style: chr19-4818174-C-A. GRCh37 (hg19) VCF-style: chr19-4818186-C-A.
Other names: c.162G>T, p.Ala54= (NM_001385678.1); c.69G>T, p.Ala23= (NM_001385679.1); c.-72+210G>T (NM_001385680.1).
Identifiers: ClinVar variation 739534 (VCV000739534.15), dbSNP rs376605000, ClinGen allele CA9105405.